The following is an entry in ClinVar:

NM_014727.3(KMT2B):c.6977T>G (p.Met2326Arg)

Gene: KMT2B (lysine methyltransferase 2B; plus strand). Cytogenetic location: 19q13.12.
Variant type: single nucleotide variant.
Coding change: c.6977T>G on transcript NM_014727.3 (MANE Select); coding-DNA position 6977, T replaced by G.
Protein change: p.Met2326Arg; replaces methionine 2326 with arginine.
Molecular consequence: missense variant.
Genome position (GRCh38, 1-based): chr19:35,733,614, T>G. VCF-style: chr19-35733614-T-G. GRCh37 (hg19) VCF-style: chr19-36224515-T-G.
Other names: short protein forms M2326R.
Identifiers: ClinVar variation 3367656 (VCV003367656.2).

ClinVar aggregate classification (germline): Uncertain significance (1 of 4 stars; one submission).

gnomAD v4.1: 1 of 1,586,326 alleles (0.000063%); highest among the groups gnomAD compares: Non-Finnish European, 0.000086%; no homozygotes.

Submission:

GeneDx
Classification: Uncertain significance. Last evaluated: 2025-10-22. Review status: criteria provided, single submitter. Criteria: GeneDx Variant Classification Process June 2021. Collection method: clinical testing. Allele origin: germline.
Comment: Not observed at significant frequency in large population cohorts (gnomAD); In silico analysis suggests that this missense variant does not alter protein structure/function; Has not been previously published as pathogenic or benign to our knowledge